The following is an entry in ClinVar:

NM_025103.4(IFT74):c.1573G>A (p.Glu525Lys)

Gene: IFT74 (intraflagellar transport 74; plus strand). Cytogenetic location: 9p21.2.
Variant type: single nucleotide variant.
Coding change: c.1573G>A on transcript NM_025103.4 (MANE Select); coding-DNA position 1573, G replaced by A.
Protein change: p.Glu525Lys; replaces glutamic acid 525 with lysine.
Molecular consequence: missense variant.
Genome position (GRCh38, 1-based): chr9:27,056,409, G>A. VCF-style: chr9-27056409-G-A. GRCh37 (hg19) VCF-style: chr9-27056407-G-A.
Other names: c.1573G>A (NM_025103.2, NM_001099222.1); c.1573G>A, p.Glu525Lys (NM_001099222.3, NM_001099223.3, NM_001349928.2); short protein forms E525K.
Identifiers: ClinVar variation 1444360 (VCV001444360.11), dbSNP rs1008648266, ClinGen allele CA191356331.

ClinVar aggregate classification (germline): Uncertain significance. Review status: criteria provided, multiple submitters, no conflicts (2 of 4 stars). 3 submissions from 3 submitters: Uncertain significance (2). 1 of the submissions does not count toward it. Last evaluated 2025-11-20.

Conditions:
Inborn genetic diseases. Identifiers: MedGen C0950123, MeSH D030342.
IFT74-related disorder. Also called: IFT74-Related Disorders; IFT74-related condition.

Allele frequency attached by ClinVar (database versions not stated): gnomAD exomes 0.00002; gnomAD 0.00006; TOPMed 0.00006.
gnomAD v4.1: 40 of 1,602,346 alleles (0.0025%); highest among the groups gnomAD compares: African/African-American, 0.016%; no homozygotes.

Submissions (3):

Ambry Genetics
Classification: Uncertain significance for Inborn genetic diseases. Last evaluated: 2025-11-20. Review status: criteria provided, single submitter. Criteria: Ambry Variant Classification Scheme 2023. Collection method: clinical testing. Allele origin: germline.

Labcorp Genetics (formerly Invitae), Labcorp
Classification: Uncertain significance. Last evaluated: 2022-06-20. Review status: criteria provided, single submitter. Criteria: Invitae Variant Classification Sherloc (09022015). Collection method: clinical testing. Allele origin: germline.
Comment: In summary, the available evidence is currently insufficient to determine the role of this variant in disease. Therefore, it has been classified as a Variant of Uncertain Significance. Algorithms developed to predict the effect of missense changes on protein structure and function (SIFT, PolyPhen-2, Align-GVGD) all suggest that this variant is likely to be tolerated. This variant has not been reported in the literature in individuals affected with IFT74-related conditions. This variant is present in population databases (no rsID available, gnomAD 0.01%). This sequence change replaces glutamic acid, which is acidic and polar, with lysine, which is basic and polar, at codon 525 of the IFT74 protein (p.Glu525Lys).

PreventionGenetics, part of Exact Sciences
Classification: Uncertain significance for IFT74-related condition. Last evaluated: 2024-02-05. Review status: no assertion criteria provided. Collection method: clinical testing. Allele origin: germline. Not counted in ClinVar's aggregate classification.
Comment: The IFT74 c.1573G>A variant is predicted to result in the amino acid substitution p.Glu525Lys. To our knowledge, this variant has not been reported in the literature. This variant is reported in 0.013% of alleles in individuals of African descent in gnomAD. At this time, the clinical significance of this variant is uncertain due to the absence of conclusive functional and genetic evidence.